The following is an entry in ClinVar:

ClinVar aggregate classification (germline): Uncertain significance (1 of 4 stars; one submission).

gnomAD v4.1: 1 of 1,612,990 alleles (0.000062%); no homozygotes.

Submission:

Labcorp Genetics (formerly Invitae), Labcorp
Classification: Uncertain significance. Last evaluated: 2022-03-11. Review status: criteria provided, single submitter. Criteria: Invitae Variant Classification Sherloc (09022015). Collection method: clinical testing. Allele origin: germline.
Comment: This variant has not been reported in the literature in individuals affected with RIMS1-related conditions. This sequence change replaces alanine, which is neutral and non-polar, with serine, which is neutral and polar, at codon 4 of the RIMS1 protein (p.Ala4Ser). This variant is not present in population databases (gnomAD no frequency). Algorithms developed to predict the effect of missense changes on protein structure and function are either unavailable or do not agree on the potential impact of this missense change (SIFT: "Tolerated"; PolyPhen-2: "Possibly Damaging"; Align-GVGD: "Class C0"). In summary, the available evidence is currently insufficient to determine the role of this variant in disease. Therefore, it has been classified as a Variant of Uncertain Significance.

NM_014989.7(RIMS1):c.10G>T (p.Ala4Ser)

Genes: RIMS1 (regulating synaptic membrane exocytosis 1; plus strand), LOC129996708 (ATAC-STARR-seq lymphoblastoid silent region 17328; plus strand). Cytogenetic location: 6q13.
Variant type: single nucleotide variant.
Coding change: c.10G>T on transcript NM_014989.7 (MANE Select); coding-DNA position 10, G replaced by T.
Protein change: p.Ala4Ser; replaces alanine 4 with serine.
Molecular consequence: missense variant.
Genome position (GRCh38, 1-based): chr6:71,887,033, G>T. VCF-style: chr6-71887033-G-T. GRCh37 (hg19) VCF-style: chr6-72596736-G-T.
Other names: c.10G>T, p.Ala4Ser (NM_001350411.1, NM_001350412.1, NM_001350413.1); short protein forms A4S.
Identifiers: ClinVar variation 2067714 (VCV002067714.4), dbSNP rs2550901434, ClinGen allele CA364817670.
Genomic context (GRCh38, chr6:71,887,033, plus strand): 5'-CCGAAAGGTGAGAGCCAGAGAGCGAGCAGAGGGGGCGGGCAGGCCACGAAAATGTCCTCG[G>T]CCGTGGGGCCCCGCGGTCCTCGCCCACCCACGGTGCCTCCCCCCATGCAAGAGCTGCCCG-3'
Protein context (NP_055804.2, residues 1-14): MSS[Ala4Ser]VGPRGPRPPT